The following is an entry in ClinVar:

ClinVar aggregate classification (germline): Uncertain significance (1 of 4 stars; one submission).

Conditions:
Developmental and epileptic encephalopathy 94 (DEE94). Also called: CHD2-Related Neurodevelopmental Disorders; Epileptic encephalopathy, childhood-onset. Identifiers: Orphanet 1942, Orphanet 2382, MedGen C3809278, MONDO:0014150, OMIM 615369.

Allele frequency attached by ClinVar (database versions not stated): gnomAD exomes below 0.00001; TOPMed below 0.00001; gnomAD 0.00001.
gnomAD v4.1: 3 of 1,614,124 alleles (0.00019%); highest among the groups gnomAD compares: South Asian, 0.0011%; no homozygotes.

Submission:

Labcorp Genetics (formerly Invitae), Labcorp
Classification: Uncertain significance for Developmental and epileptic encephalopathy 94. Last evaluated: 2020-10-13. Review status: criteria provided, single submitter. Criteria: Invitae Variant Classification Sherloc (09022015). Collection method: clinical testing. Allele origin: germline.
Comment: This variant has not been reported in the literature in individuals with CHD2-related conditions. This variant is not present in population databases (ExAC no frequency). This sequence change replaces alanine with valine at codon 1783 of the CHD2 protein (p.Ala1783Val). The alanine residue is weakly conserved and there is a small physicochemical difference between alanine and valine. Advanced modeling of protein sequence and biophysical properties (such as structural, functional, and spatial information, amino acid conservation, physicochemical variation, residue mobility, and thermodynamic stability) performed at Invitae indicates that this missense variant is not expected to disrupt CHD2 protein function. In summary, the available evidence is currently insufficient to determine the role of this variant in disease. Therefore, it has been classified as a Variant of Uncertain Significance.

NM_001271.4(CHD2):c.5348C>T (p.Ala1783Val)

Gene: CHD2 (chromodomain helicase DNA binding protein 2; plus strand). Cytogenetic location: 15q26.1.
Variant type: single nucleotide variant.
Coding change: c.5348C>T on transcript NM_001271.4 (MANE Select); coding-DNA position 5348, C replaced by T.
Protein change: p.Ala1783Val; replaces alanine 1783 with valine.
Molecular consequence: missense variant.
Genome position (GRCh38, 1-based): chr15:93,024,566, C>T. VCF-style: chr15-93024566-C-T. GRCh37 (hg19) VCF-style: chr15-93567796-C-T.
Other names: short protein forms A1783V.
Identifiers: ClinVar variation 1016270 (VCV001016270.9), dbSNP rs1485233200, ClinGen allele CA393908597.